The following is an entry in ClinVar:

ClinVar aggregate classification (germline): Uncertain significance. Review status: criteria provided, multiple submitters, no conflicts (2 of 4 stars). 2 submissions from 2 submitters: Uncertain significance (2). Last evaluated 2025-12-26.

Conditions:
Inborn genetic diseases. Identifiers: MedGen C0950123, MeSH D030342.

gnomAD v4.1: 8 of 1,612,446 alleles (0.0005%); highest among the groups gnomAD compares: Non-Finnish European, 0.00068%; no homozygotes.

Submissions (2):

Labcorp Genetics (formerly Invitae), Labcorp
Classification: Uncertain significance. Last evaluated: 2025-12-26. Review status: criteria provided, single submitter. Criteria: Invitae Variant Classification Sherloc (09022015). Collection method: clinical testing. Allele origin: germline.
Comment: This sequence change replaces leucine, which is neutral and non-polar, with arginine, which is basic and polar, at codon 441 of the SKIV2L protein (p.Leu441Arg). This variant is present in population databases (no rsID available, gnomAD 0.002%). This variant has not been reported in the literature in individuals affected with SKIV2L-related conditions. ClinVar contains an entry for this variant (Variation ID: 3954906). An algorithm developed to predict the effect of missense changes on protein structure and function (PolyPhen-2) suggests that this variant is likely to be disruptive. In summary, the available evidence is currently insufficient to determine the role of this variant in disease. Therefore, it has been classified as a Variant of Uncertain Significance.

Ambry Genetics
Classification: Uncertain significance for Inborn genetic diseases. Last evaluated: 2025-05-20. Review status: criteria provided, single submitter. Criteria: Ambry Variant Classification Scheme 2023. Collection method: clinical testing. Allele origin: germline.

NM_006929.5(SKIC2):c.1322T>G (p.Leu441Arg)

Gene: SKIC2 (SKI2 subunit of superkiller complex; plus strand). Cytogenetic location: 6p21.33.
Variant type: single nucleotide variant.
Coding change: c.1322T>G on transcript NM_006929.5 (MANE Select); coding-DNA position 1322, T replaced by G.
Protein change: p.Leu441Arg; replaces leucine 441 with arginine.
Molecular consequence: missense variant.
Genome position (GRCh38, 1-based): chr6:31,963,010, T>G. VCF-style: chr6-31963010-T-G. GRCh37 (hg19) VCF-style: chr6-31930787-T-G.
Other names: short protein forms L441R.
Identifiers: ClinVar variation 3954906 (VCV003954906.2).